The following is an entry in ClinVar:

NM_001032283.3(TMPO):c.565+1165G>C

Gene: TMPO (thymopoietin; plus strand). Cytogenetic location: 12q23.1.
Variant type: single nucleotide variant.
Coding change: c.565+1165G>C on transcript NM_001032283.3 (MANE Select); 1165 bases into the intron after coding-DNA position 565, G replaced by C.
Molecular consequence: intron variant. On other transcripts: missense variant (1).
Genome position (GRCh38, 1-based): chr12:98,533,003, G>C. VCF-style: chr12-98533003-G-C. GRCh37 (hg19) VCF-style: chr12-98926781-G-C.
Other names: c.746G>C, p.Gly249Ala (NM_003276.2); c.565+1165G>C (NM_001307975.2, NM_001032284.3); short protein forms G249A.
Identifiers: ClinVar variation 488169 (VCV000488169.10), dbSNP rs191275106, ClinGen allele CA242224286.

ClinVar aggregate classification (germline): Uncertain significance. Review status: criteria provided, multiple submitters, no conflicts (2 of 4 stars). 3 submissions from 3 submitters: Uncertain significance (3). Last evaluated 2025-04-02.

Conditions:
Primary dilated cardiomyopathy (DCM). Also called: Dilated Cardiomyopathy. Identifiers: Orphanet 217604, MedGen C0007193, MeSH D002311, MONDO:0005021, HP:0001644. Inheritance: Various modes of inheritance.
Loeys-Dietz syndrome 2 (LDS2). Also called: TGFBR2-Related Loeys-Dietz Syndrome; AORTIC ANEURYSM, FAMILIAL THORACIC 3; MARFAN SYNDROME, TYPE II; Marfan syndrome, type 2 (formerly); Marfan Syndrome type 2; Marfan like connective tissue disorder. Identifiers: Orphanet 284973, Orphanet 558, MedGen C2674574, MONDO:0012427, OMIM 610168.

Allele frequency attached by ClinVar (database versions not stated): TOPMed below 0.00001; gnomAD 0.00001; gnomAD exomes 0.00001; 1000 Genomes Project 0.00020; 1000 Genomes Project 30x 0.00031.
gnomAD v4.1: 15 of 1,614,024 alleles (0.00093%); highest among the groups gnomAD compares: Admixed American, 0.018%; no homozygotes.

Submissions (3):

Ambry Genetics
Classification: Uncertain significance. Last evaluated: 2025-04-02. Review status: criteria provided, single submitter. Criteria: Ambry Variant Classification Scheme 2023. Collection method: clinical testing. Allele origin: germline.
Comment: The p.G249A variant (also known as c.746G>C), located in coding exon 4 of the TMPO gene, results from a G to C substitution at nucleotide position 746. The glycine at codon 249 is replaced by alanine, an amino acid with similar properties. This amino acid position is conserved. In addition, this alteration is predicted to be tolerated by in silico analysis. Since supporting evidence is limited at this time, the clinical significance of this alteration remains unclear.

Labcorp Genetics (formerly Invitae), Labcorp
Classification: Uncertain significance for Loeys-Dietz syndrome 2. Last evaluated: 2021-08-31. Review status: criteria provided, single submitter. Criteria: Invitae Variant Classification Sherloc (09022015). Collection method: clinical testing. Allele origin: germline.
Comment: This sequence change replaces glycine with alanine at codon 249 of the TMPO protein (p.Gly249Ala). The glycine residue is weakly conserved and there is a small physicochemical difference between glycine and alanine. This variant is not present in population databases (ExAC no frequency). This variant has not been reported in the literature in individuals affected with TMPO-related conditions. ClinVar contains an entry for this variant (Variation ID: 488169). Algorithms developed to predict the effect of missense changes on protein structure and function (SIFT, PolyPhen-2, Align-GVGD) all suggest that this variant is likely to be tolerated. In summary, the available evidence is currently insufficient to determine the role of this variant in disease. Therefore, it has been classified as a Variant of Uncertain Significance.

Phosphorus, Inc.
Classification: Uncertain significance for Primary dilated cardiomyopathy. Last evaluated: 2017-08-01. Review status: criteria provided, single submitter. Criteria: ACMG Guidelines, 2015. Collection method: clinical testing. Allele origin: germline. Observed: 1 variant allele.